The following is an entry in ClinVar:

ClinVar aggregate classification (germline): Pathogenic (1 of 4 stars; one submission).

Conditions:
Duchenne muscular dystrophy (DMD). Also called: MUSCULAR DYSTROPHY, PSEUDOHYPERTROPHIC PROGRESSIVE, DUCHENNE TYPE; Duchenne Muscular Dystrophy (DMD). Identifiers: Orphanet 98896, MedGen C0013264, MONDO:0010679, OMIM 310200.

Submission:

Labcorp Genetics (formerly Invitae), Labcorp
Classification: Pathogenic for Duchenne muscular dystrophy. Last evaluated: 2022-10-19. Review status: criteria provided, single submitter. Criteria: Invitae Variant Classification Sherloc (09022015). Collection method: clinical testing. Allele origin: germline.
Comment: This sequence change creates a premature translational stop signal (p.Gln2193Argfs*14) in the DMD gene. It is expected to result in an absent or disrupted protein product. Loss-of-function variants in DMD are known to be pathogenic (PMID: 16770791, 25007885). This variant is not present in population databases (gnomAD no frequency). This variant has not been reported in the literature in individuals affected with DMD-related conditions. For these reasons, this variant has been classified as Pathogenic.

Literature cited by the submitters: PubMed 16770791; PubMed 25007885.

NM_004006.3(DMD):c.6578del (p.Gln2193fs)

Gene: DMD (dystrophin; minus strand). Cytogenetic location: Xp21.1.
Variant type: Deletion.
Coding change: c.6578del on transcript NM_004006.3 (MANE Select); coding-DNA position 6578, one base deleted (A; older notation c.6578delA).
Protein change: p.Gln2193fs; shifts the reading frame from glutamine 2193.
Molecular consequence: frameshift variant. On other transcripts: 5 prime UTR variant (5).
Genome position (GRCh38, 1-based): chrX:31,968,375, T deleted on the plus strand (A on the coding strand, the reverse complement: DMD is on the minus strand). VCF-style (leftmost placement, unchanged base first): chrX-31968374-CT-C. GRCh37 (hg19) VCF-style: chrX-31986491-CT-C.
Other names: c.6554del, p.Gln2185fs (NM_000109.4); c.6566del, p.Gln2189fs (NM_004009.3); c.6209del, p.Gln2070fs (NM_004010.3); c.2555del, p.Gln852fs (NM_004011.4); c.2546del, p.Gln849fs (NM_004012.4); c.-803del (NM_004013.3, NM_004020.4, NM_004021.3 and 2 more transcripts); short protein forms Q2193fs, Q849fs, Q2185fs, Q2189fs, Q2070fs, Q852fs.
Identifiers: ClinVar variation 2808288 (VCV002808288.3), dbSNP rs2534074216, ClinGen allele CA2739268202.